The following is an entry in ClinVar:

NM_000059.4(BRCA2):c.7023_7024insTG (p.Gln2342fs)

Gene: BRCA2 (BRCA2 DNA repair associated; plus strand). Cytogenetic location: 13q13.1.
Variant type: Insertion.
Coding change: c.7023_7024insTG on transcript NM_000059.4 (MANE Select); coding-DNA positions 7023 to 7024, TG inserted.
Protein change: p.Gln2342fs; shifts the reading frame from glutamine 2342.
Molecular consequence: frameshift variant.
Genome position: GRCh38 VCF-style: chr13-32354876-T-TTG. GRCh37 (hg19) VCF-style: chr13-32929013-T-TTG.
Other names: short protein forms Q2342fs.
Identifiers: ClinVar variation 548361 (VCV000548361.1), dbSNP rs1555285979, ClinGen allele CA658823678.
Genomic context (GRCh38, chr13:32,354,876, plus strand): 5'-TATGTGTACTAGTCAATAAACTTATATATTTTCTCCCCATTGCAGCACAACTAAGGAACG[T>TTG]CAAGAGATACAGAATCCAAATTTTACCGCACCTGGTCAAGAATTTCTGTCTAAATCTCAT-3'

ClinVar aggregate classification (germline): Pathogenic (3 of 4 stars; one submission).

Conditions:
Breast-ovarian cancer, familial, susceptibility to, 2 (BROVCA2). Also called: BRCA2 Hereditary Breast and Ovarian Cancer. Identifiers: Orphanet 145, MedGen C2675520, MONDO:0012933, OMIM 612555. Disease mechanism: loss of function.

Submission:

Evidence-based Network for the Interpretation of Germline Mutant Alleles (ENIGMA)
Classification: Pathogenic for Breast-ovarian cancer, familial, susceptibility to, 2. Last evaluated: 2017-12-15. Review status: reviewed by expert panel. Criteria: ENIGMA BRCA1/2 Classification Criteria (2017-06-29). Collection method: curation. Allele origin: germline. Study: ENIGMA.
Comment: Variant allele predicted to encode a truncated non-functional protein.